The following is an entry in ClinVar:

NM_001267550.2(TTN):c.56645del (p.Phe18882fs)

Genes: TTN-AS1 (TTN antisense RNA 1; plus strand), TTN (titin; minus strand). Cytogenetic location: 2q31.2.
Variant type: Deletion.
Coding change: c.56645del on transcript NM_001267550.2 (MANE Select); coding-DNA position 56645, one base deleted (T; older notation c.56645delT).
Protein change: p.Phe18882fs; shifts the reading frame from phenylalanine 18882.
Molecular consequence: frameshift variant.
Genome position (GRCh38, 1-based): chr2:178,599,148, A deleted on the plus strand (T on the coding strand, the reverse complement: TTN is on the minus strand); the first of 2 consecutive A bases (chr2:178,599,148-178,599,149); deleting either gives the same sequence. VCF-style (leftmost placement, unchanged base first): chr2-178599147-GA-G. GRCh37 (hg19) VCF-style: chr2-179463874-GA-G.
Other names: c.51722del, p.Phe17241fs (NM_001256850.1); c.29450del, p.Phe9817fs (NM_003319.4); c.48941del, p.Phe16314fs (NM_133378.4); c.29825del, p.Phe9942fs (NM_133432.3); c.30026del, p.Phe10009fs (NM_133437.4); short protein forms F9942fs, F16314fs, F10009fs, F17241fs, F18882fs, F9817fs.
Identifiers: ClinVar variation 856225 (VCV000856225.10), dbSNP rs2052619475, ClinGen allele CA916081353.
Genomic context (GRCh38, chr2:178,599,147, plus strand): 5'-TAAGAAATTTAAAAAAAAAGTAAAAATGGCTTTGTATGTGAAAATGTTCTCCTACTTACA[GA>G]AGAGGTTTCTTGCTGTTTCAGGTTCACTGTCAAGAGGTTCTCCAATGCCATATTTATTCT-3'

ClinVar aggregate classification (germline): Likely pathogenic (1 of 4 stars; one submission).

Conditions:
Dilated cardiomyopathy 1G (CMD1G). Identifiers: Orphanet 154, MedGen C1858763, MONDO:0011400, OMIM 604145.
Autosomal recessive limb-girdle muscular dystrophy type 2J (LGMDR10). Also called: Limb-girdle muscular dystrophy, type 2J; MUSCULAR DYSTROPHY, LIMB-GIRDLE, AUTOSOMAL RECESSIVE 10. Identifiers: Orphanet 140922, MedGen C1837342, MONDO:0012127, OMIM 608807.

Submission:

Labcorp Genetics (formerly Invitae), Labcorp
Classification: Likely pathogenic for Dilated cardiomyopathy 1G; Autosomal recessive limb-girdle muscular dystrophy type 2J. Last evaluated: 2022-02-09. Review status: criteria provided, single submitter. Criteria: Invitae Variant Classification Sherloc (09022015). Collection method: clinical testing. Allele origin: germline.
Comment: In summary, the currently available evidence indicates that the variant is pathogenic, but additional data are needed to prove that conclusively. Therefore, this variant has been classified as Likely Pathogenic. This variant is located in the A band of TTN (PMID: 25589632). Truncating variants in this region are significantly overrepresented in patients affected with dilated cardiomyopathy (PMID: 25589632). Truncating variants in this region have also been reported in individuals affected with autosomal recessive centronuclear myopathy (PMID: 23975875). ClinVar contains an entry for this variant (Variation ID: 856225). This variant has not been reported in the literature in individuals affected with TTN-related conditions. This variant is not present in population databases (gnomAD no frequency). This sequence change creates a premature translational stop signal (p.Phe18882Serfs*15) in the TTN gene. While this is not anticipated to result in nonsense mediated decay, it is expected to create a truncated TTN protein.

Literature cited by the submitters: PubMed 25589632; PubMed 23975875.